The following is an entry in ClinVar:

ClinVar aggregate classification (germline): Uncertain significance (1 of 4 stars; one submission).

Allele frequency attached by ClinVar (database versions not stated): gnomAD exomes below 0.00001; ExAC 0.00001.
gnomAD v4.1: 1 of 1,614,224 alleles (0.000062%); highest among the groups gnomAD compares: Non-Finnish European, 0.000085%; no homozygotes.

Submission:

Labcorp Genetics (formerly Invitae), Labcorp
Classification: Uncertain significance. Last evaluated: 2023-05-04. Review status: criteria provided, single submitter. Criteria: Invitae Variant Classification Sherloc (09022015). Collection method: clinical testing. Allele origin: germline.
Comment: In summary, the available evidence is currently insufficient to determine the role of this variant in disease. Therefore, it has been classified as a Variant of Uncertain Significance. An algorithm developed to predict the effect of missense changes on protein structure and function (PolyPhen-2) suggests that this variant is likely to be tolerated. This variant has not been reported in the literature in individuals affected with RORB-related conditions. This variant is present in population databases (rs770503468, gnomAD 0.0009%). This sequence change replaces serine, which is neutral and polar, with asparagine, which is neutral and polar, at codon 125 of the RORB protein (p.Ser125Asn).

NM_006914.4(RORB):c.374G>A (p.Ser125Asn)

Gene: RORB (RAR related orphan receptor B; plus strand). Cytogenetic location: 9q21.13.
Variant type: single nucleotide variant.
Coding change: c.374G>A on transcript NM_006914.4 (MANE Select); coding-DNA position 374, G replaced by A.
Protein change: p.Ser125Asn; replaces serine 125 with asparagine.
Molecular consequence: missense variant.
Genome position (GRCh38, 1-based): chr9:74,642,552, G>A. VCF-style: chr9-74642552-G-A. GRCh37 (hg19) VCF-style: chr9-77257468-G-A.
Other names: c.407G>A, p.Ser136Asn (NM_001365023.1); short protein forms S125N, S136N.
Identifiers: ClinVar variation 2872791 (VCV002872791.3), dbSNP rs770503468, ClinGen allele CA5083353.
Genomic context (GRCh38, chr9:74,642,552, plus strand): 5'-AGGAACAGCGGCAGCAGCAGAGTGGGGAGGCAGAAGCCCTTGCCAGGGTGTACAGCAGCA[G>A]CATTAGCAACGGCCTGAGCAACCTGAACAACGAGACCAGCGGCACTTATGCCAACGGGCA-3'
Protein context (NP_008845.2, residues 115-135): AEALARVYSS[Ser125Asn]ISNGLSNLNN